The following is an entry in ClinVar:

NM_014208.3(DSPP):c.2952T>C (p.Asp984=)

Genes: DMP1-AS1 (DMP1 and DSPP antisense RNA 1; minus strand), DSPP (dentin sialophosphoprotein; plus strand). Cytogenetic location: 4q22.1.
Variant type: single nucleotide variant.
Coding change: c.2952T>C on transcript NM_014208.3 (MANE Select); coding-DNA position 2952, T replaced by C.
Protein change: p.Asp984=; no amino-acid change (aspartic acid 984 retained).
Molecular consequence: synonymous variant.
Genome position (GRCh38, 1-based): chr4:87,615,614, T>C. VCF-style: chr4-87615614-T-C. GRCh37 (hg19) VCF-style: chr4-88536766-T-C.
Identifiers: ClinVar variation 3387939 (VCV003387939.14).

ClinVar aggregate classification (germline): Likely benign (1 of 4 stars; one submission).

Submission:

CeGaT Center for Human Genetics Tuebingen
Classification: Likely benign. Last evaluated: 2024-10-01. Review status: criteria provided, single submitter. Criteria: CeGaT Center For Human Genetics Tuebingen Variant Classification Criteria Version 2. Collection method: clinical testing. Allele origin: germline. Affected: yes. Observed: 1 variant allele.
Comment: DSPP: BP4, BP7